The following is an entry in ClinVar:

ClinVar aggregate classification (germline): Benign/Likely benign. Review status: criteria provided, multiple submitters, no conflicts (2 of 4 stars). 4 submissions from 4 submitters: Benign (1); Likely benign (3). Last evaluated 2026-06-25.

Conditions:
Retinoblastoma (RB1). Also called: RETINOBLASTOMA, SOMATIC. Identifiers: Orphanet 790, MedGen C0035335, MeSH D012175, MONDO:0008380, OMIM 180200, HP:0009919. Disease mechanism: loss of function. Inheritance: Both sporadic and heritable forms are tested..

Allele frequency attached by ClinVar (database versions not stated): gnomAD exomes 0.00001 and below 0.00001; 1000 Genomes Project 0.00020; gnomAD 0.00002; ESP Exome Variant Server 0.00008; ExAC 0.00003; TOPMed 0.00005; 1000 Genomes Project 30x 0.00016.
gnomAD v4.1: 8 of 1,603,308 alleles (0.0005%); highest among the groups gnomAD compares: African/African-American, 0.008%; no homozygotes.

Submissions (4):

Myriad Genetics, Inc.
Classification: Benign for Retinoblastoma. Last evaluated: 2026-06-25. Review status: criteria provided, single submitter. Criteria: Myriad Autosomal Dominant, Autosomal Recessive and X-Linked Classification Criteria (2023). Collection method: clinical testing. Allele origin: unknown.
Comment: This variant is considered benign. This variant is intronic and is not expected to impact mRNA splicing. This variant has been observed at a population frequency that is significantly greater than expected given the associated disease prevalence and penetrance.

Labcorp Genetics (formerly Invitae), Labcorp
Classification: Likely benign for Retinoblastoma. Last evaluated: 2025-12-09. Review status: criteria provided, single submitter. Criteria: Invitae Variant Classification Sherloc (09022015). Collection method: clinical testing. Allele origin: germline.

All of Us Research Program, National Institutes of Health
Classification: Likely benign for Retinoblastoma. Last evaluated: 2024-02-05. Review status: criteria provided, single submitter. Criteria: ACMG Guidelines, 2015. Collection method: clinical testing. Allele origin: germline. Inheritance: Autosomal dominant inheritance. Observed: 2 variant alleles, 2 heterozygotes.
Comment: This study involves interpretation of variants in research participants for the purpose of population health screening. Participant phenotype was not available at the time of variant classification. Additional details can be found in publication PMID: 35346344, PMCID: PMC8962531

Color Diagnostics, LLC DBA Color Health
Classification: Likely benign for Retinoblastoma. Last evaluated: 2022-05-12. Review status: criteria provided, single submitter. Criteria: ACMG Guidelines, 2015. Collection method: clinical testing. Allele origin: germline.

NM_000321.3(RB1):c.2664-9A>C

Gene: RB1 (RB transcriptional corepressor 1; plus strand). Cytogenetic location: 13q14.2.
Variant type: single nucleotide variant.
Coding change: c.2664-9A>C on transcript NM_000321.3 (MANE Select); 9 bases into the intron before coding-DNA position 2664, A replaced by C.
Molecular consequence: intron variant.
Genome position (GRCh38, 1-based): chr13:48,477,346, A>C. VCF-style: chr13-48477346-A-C. GRCh37 (hg19) VCF-style: chr13-49051482-A-C.
Identifiers: ClinVar variation 527939 (VCV000527939.14), dbSNP rs369154092, ClinGen allele CA036939.